The following is an entry in ClinVar:

ClinVar aggregate classification (germline): Uncertain significance. Review status: criteria provided, multiple submitters, no conflicts (2 of 4 stars). 2 submissions from 2 submitters: Uncertain significance (2). Last evaluated 2025-07-08.

gnomAD v4.1: 6 of 1,613,996 alleles (0.00037%); highest among the groups gnomAD compares: Admixed American, 0.01%; no homozygotes.

Submissions (2):

Ambry Genetics
Classification: Uncertain significance. Last evaluated: 2025-07-08. Review status: criteria provided, single submitter. Criteria: Ambry Variant Classification Scheme 2023. Collection method: clinical testing. Allele origin: germline.

Labcorp Genetics (formerly Invitae), Labcorp
Classification: Uncertain significance. Last evaluated: 2022-06-25. Review status: criteria provided, single submitter. Criteria: Invitae Variant Classification Sherloc (09022015). Collection method: clinical testing. Allele origin: germline.
Comment: In summary, the available evidence is currently insufficient to determine the role of this variant in disease. Therefore, it has been classified as a Variant of Uncertain Significance. Algorithms developed to predict the effect of missense changes on protein structure and function (SIFT, PolyPhen-2, Align-GVGD) all suggest that this variant is likely to be tolerated. This variant has not been reported in the literature in individuals affected with IARS-related conditions. This variant is present in population databases (no rsID available, gnomAD 0.006%). This sequence change replaces alanine, which is neutral and non-polar, with serine, which is neutral and polar, at codon 954 of the IARS protein (p.Ala954Ser).

NM_002161.6(IARS1):c.2860G>T (p.Ala954Ser)

Gene: IARS1 (isoleucyl-tRNA synthetase 1; minus strand). Cytogenetic location: 9q22.31.
Variant type: single nucleotide variant.
Coding change: c.2860G>T on transcript NM_002161.6 (MANE Select); coding-DNA position 2860, G replaced by T.
Protein change: p.Ala954Ser; replaces alanine 954 with serine.
Molecular consequence: missense variant. On other transcripts: non-coding transcript variant (1).
Genome position (GRCh38, 1-based): chr9:92,245,003, C>A on the plus strand (G>T on the coding strand, the complement: IARS1 is on the minus strand). VCF-style: chr9-92245003-C-A. GRCh37 (hg19) VCF-style: chr9-95007285-C-A.
Other names: c.2860G>T (NM_013417.2); c.2785G>T, p.Ala929Ser (NM_001374299.1, NM_001374300.1, NM_001378584.1); c.2860G>T, p.Ala954Ser (NM_001378579.1, NM_001378580.1, NM_001378585.1 and 9 more transcripts); c.2764G>T, p.Ala922Ser (NM_001378582.1); c.2737G>T, p.Ala913Ser (NM_001378583.1); c.2776G>T, p.Ala926Ser (NM_001374301.1); c.2923G>T, p.Ala975Ser (NM_001378569.1); c.2881G>T, p.Ala961Ser (NM_001378571.1); short protein forms A926S, A954S, A975S, A961S, A913S, A922S, A929S.
Identifiers: ClinVar variation 2072265 (VCV002072265.5), dbSNP rs1235863516, ClinGen allele CA373810199.